The following is an entry in ClinVar:

ClinVar aggregate classification (germline): Likely benign (1 of 4 stars; one submission).

Allele frequency attached by ClinVar (database versions not stated): 1000 Genomes Project 30x 0.00312; 1000 Genomes Project 0.00319; gnomAD 0.00516 and 0.00556; TOPMed 0.00578.
gnomAD v4.1: 781 of 152,330 alleles (0.51%); highest among the groups gnomAD compares: African/African-American, 1.6%; 4 homozygotes.

Submission:

GeneDx
Classification: Likely benign. Last evaluated: 2018-06-19. Review status: criteria provided, single submitter. Criteria: GeneDx Variant Classification (06012015). Collection method: clinical testing. Allele origin: germline. Affected: yes.
Comment: This variant is considered likely benign or benign based on one or more of the following criteria: it is a conservative change, it occurs at a poorly conserved position in the protein, it is predicted to be benign by multiple in silico algorithms, and/or has population frequency not consistent with disease.

NM_203447.4(DOCK8):c.4153+216C>G

Gene: DOCK8 (dedicator of cytokinesis 8; plus strand). Cytogenetic location: 9p24.3.
Variant type: single nucleotide variant.
Coding change: c.4153+216C>G on transcript NM_203447.4 (MANE Select); 216 bases into the intron after coding-DNA position 4153, C replaced by G.
Molecular consequence: intron variant.
Genome position (GRCh38, 1-based): chr9:421,294, C>G. VCF-style: chr9-421294-C-G. GRCh37 (hg19) VCF-style: chr9-421294-C-G.
Other names: c.3949+216C>G (NM_001193536.2); c.3853+216C>G (NM_001190458.2).
Identifiers: ClinVar variation 677778 (VCV000677778.1), dbSNP rs139831393, ClinGen allele CA187791297.